The following is an entry in ClinVar:

NM_001556.3(IKBKB):c.13C>A (p.Pro5Thr)

Gene: IKBKB (inhibitor of nuclear factor kappa B kinase subunit beta; plus strand). Cytogenetic location: 8p11.21.
Variant type: single nucleotide variant.
Coding change: c.13C>A on transcript NM_001556.3 (MANE Select); coding-DNA position 13, C replaced by A.
Protein change: p.Pro5Thr; replaces proline 5 with threonine.
Molecular consequence: missense variant. On other transcripts: 5 prime UTR variant (1), non-coding transcript variant (3), intron variant (1).
Genome position (GRCh38, 1-based): chr8:42,272,113, C>A. VCF-style: chr8-42272113-C-A. GRCh37 (hg19) VCF-style: chr8-42129631-C-A.
Other names: c.-70C>A (NM_001242778.2); c.-88+644C>A (NM_001190720.3); short protein forms P5T.
Identifiers: ClinVar variation 2772974 (VCV002772974.3), dbSNP rs2487009451, ClinGen allele CA371088140.

ClinVar aggregate classification (germline): Uncertain significance (1 of 4 stars; one submission).

Conditions:
Severe combined immunodeficiency due to IKK2 deficiency. Also called: Immunodeficiency 15; IMMUNODEFICIENCY 15B. Identifiers: Orphanet 397787, MedGen C4747743, MONDO:0014267, OMIM 615592.

Allele frequency attached by ClinVar (database versions not stated): gnomAD exomes 0.00001.
gnomAD v4.1: 20 of 1,614,166 alleles (0.0012%); highest among the groups gnomAD compares: Non-Finnish European, 0.0017%; no homozygotes.

Submission:

Labcorp Genetics (formerly Invitae), Labcorp
Classification: Uncertain significance for Severe combined immunodeficiency due to IKK2 deficiency. Last evaluated: 2023-10-30. Review status: criteria provided, single submitter. Criteria: Invitae Variant Classification Sherloc (09022015). Collection method: clinical testing. Allele origin: germline.
Comment: This sequence change replaces proline, which is neutral and non-polar, with threonine, which is neutral and polar, at codon 5 of the IKBKB protein (p.Pro5Thr). This variant is not present in population databases (gnomAD no frequency). This variant has not been reported in the literature in individuals affected with IKBKB-related conditions. Advanced modeling of protein sequence and biophysical properties (such as structural, functional, and spatial information, amino acid conservation, physicochemical variation, residue mobility, and thermodynamic stability) performed at Invitae indicates that this missense variant is not expected to disrupt IKBKB protein function with a negative predictive value of 95%. In summary, the available evidence is currently insufficient to determine the role of this variant in disease. Therefore, it has been classified as a Variant of Uncertain Significance.